The following is an entry in ClinVar:

ClinVar aggregate classification (germline): Conflicting classifications of pathogenicity. Review status: criteria provided, conflicting classifications (1 of 4 stars). 3 submissions from 3 submitters: Uncertain significance (2); Benign (1). Last evaluated 2026-01-26.

Conditions:
Inborn genetic diseases. Identifiers: MedGen C0950123, MeSH D030342.

Allele frequency attached by ClinVar (database versions not stated): gnomAD 0.00001 and 0.00002; ExAC 0.00003; gnomAD exomes 0.00003 and 0.00006; TOPMed 0.00005.
gnomAD v4.1: 78 of 1,544,572 alleles (0.005%); highest among the groups gnomAD compares: South Asian, 0.018%; 1 homozygote.

Submissions (3):

Labcorp Genetics (formerly Invitae), Labcorp
Classification: Benign. Last evaluated: 2026-01-26. Review status: criteria provided, single submitter. Criteria: Invitae Variant Classification Sherloc (09022015). Collection method: clinical testing. Allele origin: germline.

GeneDx
Classification: Uncertain significance. Last evaluated: 2021-12-07. Review status: criteria provided, single submitter. Criteria: GeneDx Variant Classification Process June 2021. Collection method: clinical testing. Allele origin: germline. Affected: yes.
Comment: Reported in an individual with epileptic encephalopathy and infantile spasms who harbored a second CACNA1E variant in unknown phase (Helbig et al., 2016); Reported in an individual with a non-specific neuromuscular phenotype who harbored a second CACNA1E variant in unknown phase (Hagman et al., 2017); In silico analysis supports that this missense variant has a deleterious effect on protein structure/function; This variant is associated with the following publications: (PMID: 26795593, 27513193, 29388939)

Ambry Genetics
Classification: Uncertain significance for Inborn genetic diseases. Last evaluated: 2013-12-10. Review status: criteria provided, single submitter. Criteria: Ambry Autosomal Dominant and X-Linked criteria (10/2015). Collection method: clinical testing. Allele origin: germline. Observed: 1 variant allele.
Comment: There is insufficient or conflicting evidence for classification of this alteration.

NM_001205293.3(CACNA1E):c.2635C>T (p.Arg879Trp)

Gene: CACNA1E (calcium voltage-gated channel subunit alpha1 E; plus strand). Cytogenetic location: 1q25.3.
Variant type: single nucleotide variant.
Coding change: c.2635C>T on transcript NM_001205293.3 (MANE Select); coding-DNA position 2635, C replaced by T.
Protein change: p.Arg879Trp; replaces arginine 879 with tryptophan.
Molecular consequence: missense variant.
Genome position (GRCh38, 1-based): chr1:181,732,721, C>T. VCF-style: chr1-181732721-C-T. GRCh37 (hg19) VCF-style: chr1-181701857-C-T.
Other names: c.2635C>T, p.Arg879Trp (NM_000721.4); c.2578C>T, p.Arg860Trp (NM_001205294.2); short protein forms R879W, R860W.
Identifiers: ClinVar variation 225022 (VCV000225022.14), dbSNP rs771126920, ClinGen allele CA358075.